The following is an entry in ClinVar:

NM_015164.4(PLEKHM2):c.2681C>T (p.Thr894Met)

Gene: PLEKHM2 (pleckstrin homology and RUN domain containing M2; plus strand). Cytogenetic location: 1p36.21.
Variant type: single nucleotide variant.
Coding change: c.2681C>T on transcript NM_015164.4 (MANE Select); coding-DNA position 2681, C replaced by T.
Protein change: p.Thr894Met; replaces threonine 894 with methionine.
Molecular consequence: missense variant.
Genome position (GRCh38, 1-based): chr1:15,732,405, C>T. VCF-style: chr1-15732405-C-T. GRCh37 (hg19) VCF-style: chr1-16058900-C-T.
Other names: c.2621C>T, p.Thr874Met (NM_001410755.1); short protein forms T874M, T894M.
Identifiers: ClinVar variation 3934338 (VCV003934338.2).

ClinVar aggregate classification (germline): Uncertain significance. Review status: criteria provided, multiple submitters, no conflicts (2 of 4 stars). 2 submissions from 2 submitters: Uncertain significance (2). Last evaluated 2025-04-28.

gnomAD v4.1: 19 of 1,569,190 alleles (0.0012%); highest among the groups gnomAD compares: Non-Finnish European, 0.0015%; no homozygotes.

Submissions (2):

Labcorp Genetics (formerly Invitae), Labcorp
Classification: Uncertain significance. Last evaluated: 2025-04-28. Review status: criteria provided, single submitter. Criteria: Invitae Variant Classification Sherloc (09022015). Collection method: clinical testing. Allele origin: germline.
Comment: This sequence change replaces threonine, which is neutral and polar, with methionine, which is neutral and non-polar, at codon 894 of the PLEKHM2 protein (p.Thr894Met). The frequency data for this variant in the population databases is considered unreliable, as metrics indicate poor data quality at this position in the gnomAD database. This variant has not been reported in the literature in individuals affected with PLEKHM2-related conditions. An algorithm developed to predict the effect of missense changes on protein structure and function (PolyPhen-2) suggests that this variant is likely to be disruptive. In summary, the available evidence is currently insufficient to determine the role of this variant in disease. Therefore, it has been classified as a Variant of Uncertain Significance.

Ambry Genetics
Classification: Uncertain significance. Last evaluated: 2025-03-26. Review status: criteria provided, single submitter. Criteria: Ambry Variant Classification Scheme 2023. Collection method: clinical testing. Allele origin: germline.